The following is an entry in ClinVar:

NM_012479.4(YWHAG):c.565G>C (p.Ala189Pro)

Gene: YWHAG (tyrosine 3-monooxygenase/tryptophan 5-monooxygenase activation protein gamma; minus strand). Cytogenetic location: 7q11.23.
Variant type: single nucleotide variant.
Coding change: c.565G>C on transcript NM_012479.4 (MANE Select); coding-DNA position 565, G replaced by C.
Protein change: p.Ala189Pro; replaces alanine 189 with proline.
Molecular consequence: missense variant.
Genome position (GRCh38, 1-based): chr7:76,329,756, C>G on the plus strand (G>C on the coding strand, the complement: YWHAG is on the minus strand). VCF-style: chr7-76329756-C-G. GRCh37 (hg19) VCF-style: chr7-75959073-C-G.
Other names: short protein forms A189P.
Identifiers: ClinVar variation 3654083 (VCV003654083.2).

ClinVar aggregate classification (germline): Uncertain significance (1 of 4 stars; one submission).

Submission:

Labcorp Genetics (formerly Invitae), Labcorp
Classification: Uncertain significance. Last evaluated: 2024-06-17. Review status: criteria provided, single submitter. Criteria: Invitae Variant Classification Sherloc (09022015). Collection method: clinical testing. Allele origin: germline.
Comment: This sequence change replaces alanine, which is neutral and non-polar, with proline, which is neutral and non-polar, at codon 189 of the YWHAG protein (p.Ala189Pro). This variant is not present in population databases (gnomAD no frequency). This variant has not been reported in the literature in individuals affected with YWHAG-related conditions. Advanced modeling of protein sequence and biophysical properties (such as structural, functional, and spatial information, amino acid conservation, physicochemical variation, residue mobility, and thermodynamic stability) performed at Invitae indicates that this missense variant is not expected to disrupt YWHAG protein function with a negative predictive value of 80%. In summary, the available evidence is currently insufficient to determine the role of this variant in disease. Therefore, it has been classified as a Variant of Uncertain Significance.